The following is an entry in ClinVar:

NM_031276.3(TEX11):c.409C>T (p.Leu137=)

Gene: TEX11 (testis expressed 11; minus strand). Cytogenetic location: Xq13.1.
Variant type: single nucleotide variant.
Coding change: c.409C>T on transcript NM_031276.3 (MANE Select); coding-DNA position 409, C replaced by T.
Protein change: p.Leu137=; no amino-acid change (leucine 137 retained).
Molecular consequence: synonymous variant.
Genome position (GRCh38, 1-based): chrX:70,853,150, G>A on the plus strand (C>T on the coding strand, the complement: TEX11 is on the minus strand). VCF-style: chrX-70853150-G-A. GRCh37 (hg19) VCF-style: chrX-70073000-G-A.
Other names: c.454C>T, p.Leu152= (NM_001003811.2).
Identifiers: ClinVar variation 723016 (VCV000723016.6), dbSNP rs150818139, ClinGen allele CA10442904.

ClinVar aggregate classification (germline): Benign. Review status: criteria provided, multiple submitters, no conflicts (2 of 4 stars). 3 submissions from 3 submitters: Benign (2). 1 of the submissions does not count toward it. Last evaluated 2018-03-01.

Conditions:
TEX11-related disorder. Also called: TEX11-related condition.

Allele frequency attached by ClinVar (database versions not stated): gnomAD exomes 0.00046; ExAC 0.00056; ESP Exome Variant Server 0.00180; gnomAD 0.00183 and 0.00190; TOPMed 0.00197; 1000 Genomes Project 30x 0.00229; 1000 Genomes Project 0.00265.
gnomAD v4.1: 445 of 1,208,419 alleles (0.037%); highest among the groups gnomAD compares: African/African-American, 0.67%; 4 homozygotes.

Submissions (3):

Labcorp Genetics (formerly Invitae), Labcorp
Classification: Benign. Last evaluated: 2018-03-01. Review status: criteria provided, single submitter. Criteria: Invitae Variant Classification Sherloc (09022015). Collection method: clinical testing. Allele origin: germline.

Breakthrough Genomics
Classification: Benign. Review status: criteria provided, single submitter. Criteria: ACMG Guidelines, 2015. Collection method: not provided. Allele origin: germline. Inheritance: X-linked inheritance. Affected: yes.

PreventionGenetics, part of Exact Sciences
Classification: Benign for TEX11-related condition. Last evaluated: 2019-10-28. Review status: no assertion criteria provided. Collection method: clinical testing. Allele origin: germline. Not counted in ClinVar's aggregate classification.
Comment: This variant is classified as benign based on ACMG/AMP sequence variant interpretation guidelines (Richards et al. 2015 PMID: 25741868, with internal and published modifications).